The following is an entry in ClinVar:

ClinVar aggregate classification (germline): Likely pathogenic (1 of 4 stars; one submission).

Conditions:
KIF11-related disorder. Also called: KIF11-related condition.

Submission:

PreventionGenetics, part of Exact Sciences
Classification: Likely pathogenic for KIF11-related condition. Last evaluated: 2023-09-19. Review status: criteria provided, single submitter. Criteria: ACMG Guidelines, 2015. Collection method: clinical testing. Allele origin: germline.
Comment: The KIF11 c.2440G>T variant is predicted to result in premature protein termination (p.Glu814*). To our knowledge, this variant has not been reported in the literature or in a large population database, indicating this variant is rare. Nonsense variants in KIF11 are expected to be pathogenic. This variant is interpreted as likely pathogenic.

NM_004523.4(KIF11):c.2440G>T (p.Glu814Ter)

Gene: KIF11 (kinesin family member 11; plus strand). Cytogenetic location: 10q23.33.
Variant type: single nucleotide variant.
Coding change: c.2440G>T on transcript NM_004523.4 (MANE Select); coding-DNA position 2440, G replaced by T.
Protein change: p.Glu814Ter; replaces glutamic acid 814 with a stop codon.
Molecular consequence: nonsense.
Genome position (GRCh38, 1-based): chr10:92,645,535, G>T. VCF-style: chr10-92645535-G-T. GRCh37 (hg19) VCF-style: chr10-94405292-G-T.
Other names: short protein forms E814*.
Identifiers: ClinVar variation 2630727 (VCV002630727.1), dbSNP rs2492536774, ClinGen allele CA377594238.